The following is an entry in ClinVar:

ClinVar aggregate classification (germline): Conflicting classifications of pathogenicity. Review status: criteria provided, conflicting classifications (1 of 4 stars). 4 submissions from 4 submitters: Uncertain significance (1); Likely benign (3). Last evaluated 2025-12-17.

Conditions:
Inborn genetic diseases. Identifiers: MedGen C0950123, MeSH D030342.

Allele frequency attached by ClinVar (database versions not stated): gnomAD exomes 0.00011 and 0.00022; gnomAD 0.00014 and 0.00015; TOPMed 0.00016; ExAC 0.00024; ESP Exome Variant Server 0.00031.

Submissions (4):

Labcorp Genetics (formerly Invitae), Labcorp
Classification: Likely benign. Last evaluated: 2025-12-17. Review status: criteria provided, single submitter. Criteria: Invitae Variant Classification Sherloc (09022015). Collection method: clinical testing. Allele origin: germline.

Women's Health and Genetics/Laboratory Corporation of America, LabCorp
Classification: Likely benign. Last evaluated: 2025-04-07. Review status: criteria provided, single submitter. Criteria: LabCorp Variant Classification Summary - May 2015. Collection method: clinical testing. Allele origin: germline.
Comment: Variant summary: AEBP1 c.143A>G (p.Glu48Gly) results in a non-conservative amino acid change in the encoded protein sequence. Four of five in-silico tools predict a benign effect of the variant on protein function. The variant allele was found at a frequency of 0.00022 in 231702 control chromosomes, predominantly at a frequency of 0.0043 within the Ashkenazi Jewish subpopulation in the gnomAD database. The observed variant frequency within Ashkenazi Jewish control individuals in the gnomAD database is approximately 4 fold of the estimated maximal expected allele frequency for a pathogenic variant in AEBP1 causing Ehlers-Danlos syndrome, classic-like, 2 phenotype (0.0011). To our knowledge, no occurrence of c.143A>G in individuals affected with Ehlers-Danlos syndrome, classic-like, 2 and no experimental evidence demonstrating its impact on protein function have been reported. ClinVar contains an entry for this variant (Variation ID: 1637694). Based on the evidence outlined above, the variant was classified as likely benign.

Mayo Clinic Laboratories, Mayo Clinic
Classification: Likely benign. Last evaluated: 2025-01-28. Review status: criteria provided, single submitter. Criteria: ACMG Guidelines, 2015. Collection method: clinical testing. Allele origin: germline. Observed: 1 variant allele.
Comment: BS1, BP4

Ambry Genetics
Classification: Uncertain significance for Inborn genetic diseases. Last evaluated: 2021-06-11. Review status: criteria provided, single submitter. Criteria: Ambry Variant Classification Scheme 2023. Collection method: clinical testing. Allele origin: germline.

NM_001129.5(AEBP1):c.143A>G (p.Glu48Gly)

Gene: AEBP1 (AE binding protein 1; plus strand). Cytogenetic location: 7p13.
Variant type: single nucleotide variant.
Coding change: c.143A>G on transcript NM_001129.5 (MANE Select); coding-DNA position 143, A replaced by G.
Protein change: p.Glu48Gly; replaces glutamic acid 48 with glycine.
Molecular consequence: missense variant.
Genome position (GRCh38, 1-based): chr7:44,104,808, A>G. VCF-style: chr7-44104808-A-G. GRCh37 (hg19) VCF-style: chr7-44144407-A-G.
Other names: p.Glu48Gly; c.143A>G (NM_001129.3); short protein forms E48G.
Identifiers: ClinVar variation 1637694 (VCV001637694.12), dbSNP rs141126404, ClinGen allele CA4237423.